The following is an entry in ClinVar:

ClinVar aggregate classification (germline): Likely pathogenic (1 of 4 stars; one submission).

Submission:

Labcorp Genetics (formerly Invitae), Labcorp
Classification: Likely pathogenic. Last evaluated: 2023-03-08. Review status: criteria provided, single submitter. Criteria: Invitae Variant Classification Sherloc (09022015). Collection method: clinical testing. Allele origin: germline.
Comment: In summary, the currently available evidence indicates that the variant is pathogenic, but additional data are needed to prove that conclusively. Therefore, this variant has been classified as Likely Pathogenic. Algorithms developed to predict the effect of sequence changes on RNA splicing suggest that this variant may disrupt the consensus splice site. This variant has not been reported in the literature in individuals affected with VPS13A-related conditions. This variant is not present in population databases (gnomAD no frequency). This sequence change affects a donor splice site in intron 7 of the VPS13A gene. It is expected to disrupt RNA splicing. Variants that disrupt the donor or acceptor splice site typically lead to a loss of protein function (PMID: 16199547), and loss-of-function variants in VPS13A are known to be pathogenic (PMID: 12404112, 21598378).

Literature cited by the submitters: PubMed 16199547; PubMed 12404112; PubMed 21598378.

NM_033305.3(VPS13A):c.555+2T>A

Gene: VPS13A (vacuolar protein sorting 13 homolog A; plus strand). Cytogenetic location: 9q21.2.
Variant type: single nucleotide variant.
Coding change: c.555+2T>A on transcript NM_033305.3 (MANE Select); the canonical splice donor site of the intron after coding-DNA position 555, T replaced by A.
Molecular consequence: splice donor variant.
Genome position (GRCh38, 1-based): chr9:77,210,677, T>A. VCF-style: chr9-77210677-T-A. GRCh37 (hg19) VCF-style: chr9-79825593-T-A.
Other names: c.555+2T>A (NM_001018037.2, NM_015186.4, NM_001018038.3).
Identifiers: ClinVar variation 2843992 (VCV002843992.3), dbSNP rs1359876093, ClinGen allele CA373842508.